The following is an entry in ClinVar:

NM_018117.12(WDR11):c.2921C>T (p.Ala974Val)

Gene: WDR11 (WD repeat domain 11; plus strand). Cytogenetic location: 10q26.12.
Variant type: single nucleotide variant.
Coding change: c.2921C>T on transcript NM_018117.12 (MANE Select); coding-DNA position 2921, C replaced by T.
Protein change: p.Ala974Val; replaces alanine 974 with valine.
Molecular consequence: missense variant.
Genome position (GRCh38, 1-based): chr10:120,903,222, C>T. VCF-style: chr10-120903222-C-T. GRCh37 (hg19) VCF-style: chr10-122662734-C-T.
Other names: c.2921C>T (NM_018117.11); short protein forms A974V.
Identifiers: ClinVar variation 2192248 (VCV002192248.5), dbSNP rs780262382, ClinGen allele CA5720144.

ClinVar aggregate classification (germline): Uncertain significance. Review status: criteria provided, multiple submitters, no conflicts (2 of 4 stars). 2 submissions from 2 submitters: Uncertain significance (2). Last evaluated 2023-12-14.

Conditions:
Inborn genetic diseases. Identifiers: MedGen C0950123, MeSH D030342.

Allele frequency attached by ClinVar (database versions not stated): gnomAD exomes below 0.00001; ExAC 0.00001; gnomAD 0.00001.
gnomAD v4.1: 4 of 1,614,042 alleles (0.00025%); highest among the groups gnomAD compares: Non-Finnish European, 0.00025%; no homozygotes.

Submissions (2):

Ambry Genetics
Classification: Uncertain significance for Inborn genetic diseases. Last evaluated: 2023-12-14. Review status: criteria provided, single submitter. Criteria: Ambry Variant Classification Scheme 2023. Collection method: clinical testing. Allele origin: germline.

Labcorp Genetics (formerly Invitae), Labcorp
Classification: Uncertain significance. Last evaluated: 2023-08-30. Review status: criteria provided, single submitter. Criteria: Invitae Variant Classification Sherloc (09022015). Collection method: clinical testing. Allele origin: germline.
Comment: ClinVar contains an entry for this variant (Variation ID: 2192248). In summary, the available evidence is currently insufficient to determine the role of this variant in disease. Therefore, it has been classified as a Variant of Uncertain Significance. An algorithm developed to predict the effect of missense changes on protein structure and function (PolyPhen-2) suggests that this variant is likely to be tolerated. This sequence change replaces alanine, which is neutral and non-polar, with valine, which is neutral and non-polar, at codon 974 of the WDR11 protein (p.Ala974Val). This variant is present in population databases (rs780262382, gnomAD 0.002%). This variant has not been reported in the literature in individuals affected with WDR11-related conditions.